The following is an entry in ClinVar:

ClinVar aggregate classification (germline): Uncertain significance (1 of 4 stars; one submission).

Allele frequency attached by ClinVar (database versions not stated): gnomAD exomes 0.00001; gnomAD 0.00003; ExAC 0.00001.
gnomAD v4.1: 17 of 1,613,136 alleles (0.0011%); highest among the groups gnomAD compares: African/African-American, 0.0067%; no homozygotes.

Submission:

Labcorp Genetics (formerly Invitae), Labcorp
Classification: Uncertain significance. Last evaluated: 2025-12-02. Review status: criteria provided, single submitter. Criteria: Invitae Variant Classification Sherloc (09022015). Collection method: clinical testing. Allele origin: germline.
Comment: This sequence change replaces arginine, which is basic and polar, with tryptophan, which is neutral and slightly polar, at codon 14 of the CACNA1D protein (p.Arg14Trp). This variant is present in population databases (rs766424529, gnomAD 0.008%). This variant has not been reported in the literature in individuals affected with CACNA1D-related conditions. ClinVar contains an entry for this variant (Variation ID: 3000827). An algorithm developed to predict the effect of missense changes on protein structure and function (PolyPhen-2) suggests that this variant is likely to be tolerated. In summary, the available evidence is currently insufficient to determine the role of this variant in disease. Therefore, it has been classified as a Variant of Uncertain Significance.

NM_001128840.3(CACNA1D):c.40C>T (p.Arg14Trp)

Gene: CACNA1D (calcium voltage-gated channel subunit alpha1 D; plus strand). Cytogenetic location: 3p21.1.
Variant type: single nucleotide variant.
Coding change: c.40C>T on transcript NM_001128840.3 (MANE Select); coding-DNA position 40, C replaced by T.
Protein change: p.Arg14Trp; replaces arginine 14 with tryptophan.
Molecular consequence: missense variant.
Genome position (GRCh38, 1-based): chr3:53,495,206, C>T. VCF-style: chr3-53495206-C-T. GRCh37 (hg19) VCF-style: chr3-53529233-C-T.
Other names: c.40C>T, p.Arg14Trp (NM_000720.4, NM_001128839.3); short protein forms R14W.
Identifiers: ClinVar variation 3000827 (VCV003000827.3), dbSNP rs766424529, ClinGen allele CA2453591.